The following is an entry in ClinVar:

Single allele

Genes: LIPH (lipase H; minus strand), LMLN (leishmanolysin like peptidase; plus strand), LPP (LIM domain containing preferred translocation partner in lipoma; plus strand), LRCH3 (leucine rich repeats and calponin homology domain containing 3; plus strand), LRRC15 (leucine rich repeat containing 15; minus strand) and 142 more. Cytogenetic location: 3q26.32-29.
Variant type: Duplication.
Identifiers: ClinVar variation 2671619 (VCV002671619.1).

ClinVar aggregate classification (germline): Pathogenic (1 of 4 stars; one submission).

Submission:

Illumina Laboratory Services, Illumina
Classification: Pathogenic. Last evaluated: 2023-05-23. Review status: criteria provided, single submitter. Criteria: ICSL CNVClassificationCriteria Aug2020. Collection method: clinical testing. Allele origin: unknown.
Comment: This CNV is a 21.3 Mb duplication of 3q26.32-q29 on chromosome 3, (seq[GRCh37]dup(3)(3q26.32q29), NC_000003.11:g.176412210_197847235dup). This CNV constitutes a gain of 144 protein coding genes and has not been reported in controls. De novo duplications of a similar size and location to this event have been reported in individuals with global developmental delay, motor delay and dysmorphic features (PMID: 19344873). Based on the available evidence, this CNV is classified as pathogenic.